The following is an entry in ClinVar:

ClinVar aggregate classification (germline): Uncertain significance (1 of 4 stars; one submission).

Conditions:
Long QT syndrome (LQTS). Identifiers: MedGen C0023976, MeSH D008133, MONDO:0002442. Disease mechanism: loss of function. Inheritance: Various modes of inheritance.

Submission:

Labcorp Genetics (formerly Invitae), Labcorp
Classification: Uncertain significance for Long QT syndrome. Last evaluated: 2023-09-06. Review status: criteria provided, single submitter. Criteria: Invitae Variant Classification Sherloc (09022015). Collection method: clinical testing. Allele origin: germline.
Comment: This variant is not present in population databases (gnomAD no frequency). This sequence change replaces serine, which is neutral and polar, with proline, which is neutral and non-polar, at codon 3851 of the ANK2 protein (p.Ser3851Pro). This variant has not been reported in the literature in individuals affected with ANK2-related conditions. In summary, the available evidence is currently insufficient to determine the role of this variant in disease. Therefore, it has been classified as a Variant of Uncertain Significance. Advanced modeling of protein sequence and biophysical properties (such as structural, functional, and spatial information, amino acid conservation, physicochemical variation, residue mobility, and thermodynamic stability) has been performed at Invitae for this missense variant, however the output from this modeling did not meet the statistical confidence thresholds required to predict the impact of this variant on ANK2 protein function.

NM_001148.6(ANK2):c.11551T>C (p.Ser3851Pro)

Gene: ANK2 (ankyrin 2; plus strand). Cytogenetic location: 4q26.
Variant type: single nucleotide variant.
Coding change: c.11551T>C on transcript NM_001148.6 (MANE Select); coding-DNA position 11551, T replaced by C.
Protein change: p.Ser3851Pro; replaces serine 3851 with proline.
Molecular consequence: missense variant.
Genome position (GRCh38, 1-based): chr4:113,369,746, T>C. VCF-style: chr4-113369746-T-C. GRCh37 (hg19) VCF-style: chr4-114290902-T-C.
Other names: c.5230T>C, p.Ser1744Pro (NM_001386161.1, NM_001354244.2, NM_001354256.2); c.5110T>C, p.Ser1704Pro (NM_001386162.1, NM_001354249.2, NM_001354266.2 and 2 more transcripts); c.7951T>C, p.Ser2651Pro (NM_001386166.1); c.1696T>C, p.Ser566Pro (NM_001386167.1); c.11692T>C, p.Ser3898Pro (NM_001386174.1); c.11668T>C, p.Ser3890Pro (NM_001386175.1); c.5281T>C, p.Ser1761Pro (NM_001386186.2, NM_001386148.2); c.5161T>C, p.Ser1721Pro (NM_001386187.2); and 35 more; short protein forms S1691P, S1693P, S1723P, S1756P, S1761P, S3851P, S3898P, S949P.
Identifiers: ClinVar variation 2816024 (VCV002816024.3), dbSNP rs1589261336, ClinGen allele CA357942959.